The following continues an entry in ClinVar:

NM_000059.4(BRCA2):c.5073dup (p.Trp1692fs)

Gene: BRCA2. ClinVar aggregate classification (germline): Pathogenic. Pathogenic (1).

Submissions 10 to 21 of 57:

GeneKor MSA
Classification: Pathogenic for Hereditary breast ovarian cancer syndrome. Last evaluated: 2025-05-15. Review status: criteria provided, single submitter. Criteria: ACMG Guidelines, 2015. Collection method: clinical testing. Allele origin: germline. Affected: no. Not counted in ClinVar's aggregate classification.
Comment: This variant is a duplication of A at nucleotide position 5073 in exon 11 of the BRCA2 mRNA c.(5073dupA), causing a frameshift after codon 1692 and the creation of a novel translation stop signal 3 amino acid residues later p.(Trp1692Metfs*3). This is expected to result in an absent or disrupted protein product. Loss-of-function variants in BRCA2 are known to be pathogenic (PMID:20104584). This variant is present in population databases (rs80359479). This sequence change, also known as 5301insA, 5302insA και c.5066_5067insA, has been reported in the international literature in individuals affected with breast and/or ovarian and pancreatic cancer and in individuals affected with Fanconi anemia (PMID:11179017, 16683254, 10923033, 22144684, 26787237, 25479140, 14559878). ClinVar contains entries for this variant where is listed as pathogenic (VCV000037943.126). Based on the classification criteria set by the ACMG and AMP (PMID:25741868), this variant has been classified as pathogenic.

Molecular Pathology, Peter Maccallum Cancer Centre
Classification: Pathogenic for Breast-ovarian cancer, familial, susceptibility to, 2. Last evaluated: 2025-05-15. Review status: criteria provided, single submitter. Criteria: ACMG Guidelines, 2015. Collection method: clinical testing. Allele origin: germline. Inheritance: Autosomal dominant inheritance. Not counted in ClinVar's aggregate classification.

ARUP Laboratories, Molecular Genetics and Genomics, ARUP Laboratories
Classification: Pathogenic. Last evaluated: 2025-03-27. Review status: criteria provided, single submitter. Criteria: ARUP Molecular Germline Variant Investigation Process 2024. Collection method: clinical testing. Allele origin: germline. Not counted in ClinVar's aggregate classification.
Comment: The BRCA2 c.5073dupA; p.Trp1692MetfsTer3 variant (rs80359479), also known as 5301_5302insA or 5301insA in traditional nomenclature, is reported in the literature in multiple individuals with hereditary breast and ovarian cancer syndrome (Heramb 2018, Laarabi 2011, Palmero 2018, Wen 2018). This variant has also been reported as a de novo variant in an individual with early onset breast cancer (Marshall 2009), and in an individual with Fanconi anemia who was compound heterozygous with a second pathogenic BRCA2 variant (Offit 2003). The c.5073dupA variant is classified as pathogenic by an expert panel in ClinVar (Variation ID: 37943). This variant causes a frameshift by duplicating a single nucleotide, so it is predicted to result in a truncated protein or mRNA subject to nonsense-mediated decay. Based on available information, this variant is considered to be pathogenic. References: Heramb C et al. BRCA1 and BRCA2 mutation spectrum - an update on mutation distribution in a large cancer genetics clinic in Norway. Hered Cancer Clin Pract. 2018 Jan 10;16:3. Laarabi FZ et al. Genetic testing and first presymptomatic diagnosis in Moroccan families at high risk for breast/ovarian cancer. Oncol Lett. 2011 Mar;2(2):389-393. Marshall M et al. Case report: de novo BRCA2 gene mutation in a 35-year-old woman with breast cancer. Clin Genet. 2009 Nov;76(5):427-30. Offit K et al. Shared genetic susceptibility to breast cancer, brain tumors, and Fanconi anemia. J Natl Cancer Inst. 2003 Oct 15;95(20):1548-51. Palmero EI et al. The germline mutational landscape of BRCA1 and BRCA2 in Brazil. Sci Rep. 2018 Jun 15;8(1):9188. Wen WX et al. Inherited mutations in BRCA1 and BRCA2 in an unselected multiethnic cohort of Asian patients with breast cancer and healthy controls from Malaysia. J Med Genet. 2018 Feb;55(2):97-103.

Revvity Omics, Revvity
Classification: Pathogenic. Last evaluated: 2025-03-04. Review status: criteria provided, single submitter. Criteria: ACMG Guidelines, 2015. Collection method: clinical testing. Allele origin: germline. Not counted in ClinVar's aggregate classification.

Color Diagnostics, LLC DBA Color Health
Classification: Pathogenic for Hereditary cancer-predisposing syndrome. Last evaluated: 2025-02-24. Review status: criteria provided, single submitter. Criteria: ACMG Guidelines, 2015. Collection method: clinical testing. Allele origin: germline. Not counted in ClinVar's aggregate classification.
Comment: This variant inserts 1 nucleotide in exon 11 of the BRCA2 gene, creating a frameshift and premature translation stop signal. This variant is expected to result in an absent or non-functional protein product. This variant is also known as 5301insA, 5302insA, c.5066_5067insA and c.5073insA in the literature. This variant has been detected in over 20 individuals and families affected with breast, ovarian and fallopian tube cancer (PMID: 11179017, 11938448, 12181777, 14973102, 15131399, 16683254, 18819001, 19052777, 19796187, 21324516, 21465317, 23977390, 24333842, 24728189, 26026974, 26787237, 27741520, 28486781, 32022259, 33471991), an individual affected with pancreatic cancer (PMID: 25479140) and 2 unaffected carriers (PMID: 33471991; Leiden Open Variation Database DB-ID BRCA2_001899). A multifactorial analysis has reported a likelihood ratio for pathogenicity based on personal and family history of 2785.593 from log(LR)=3.444917679 for 26 carriers (PMID: 31853058). This variant also has been observed with another pathogenic BRCA2 mutation in an individual affected with the recessive disease Fanconi anemia (PMID: 14559878). This variant has been identified in 4/230778 chromosomes in the general population by the Genome Aggregation Database (gnomAD). Loss of BRCA2 function is a known mechanism of disease. Based on the available evidence, this variant is classified as Pathogenic.

Ambry Genetics
Classification: Pathogenic for Hereditary cancer-predisposing syndrome. Last evaluated: 2024-12-06. Review status: criteria provided, single submitter. Criteria: Ambry Variant Classification Scheme 2023. Collection method: clinical testing. Allele origin: germline. Not counted in ClinVar's aggregate classification.
Comment: The c.5073dupA pathogenic mutation, located in coding exon 10 of the BRCA2 gene, results from a duplication of A at nucleotide position 5073, causing a translational frameshift with a predicted alternate stop codon (p.W1692Mfs*3). This mutation has been described in breast and ovarian cancer families of various ethnicities (Risch HA et al. Am. J. Hum. Genet. 2001 Mar;68:700-10; Suter NM et al. Cancer Epidemiol. Biomarkers Prev. 2004 Feb;13:181-9; Marshall M et al. Clin. Genet. 2009 Nov;76:427-30; de Juan I et al. Fam. Cancer. 2015 Dec;14:505-13; Hasmad HN et al. Gynecol. Oncol. 2016 May;141:318-22; Sandoval RL et al. PLoS One. 2021 Mar;16:e0247363). This alteration has also been identified in a pancreatic cancer patient (Grant RC et al. Gastroenterology. 2015 Mar;148:556-64). Of note, this alteration is also designated as 5301insA, 5302insA, and c.5066_5067insA in published literature. In addition to the clinical data presented in the literature, this alteration is expected to result in loss of function by premature protein truncation or nonsense-mediated mRNA decay. As such, this alteration is interpreted as a disease-causing mutation.

CeGaT Center for Human Genetics Tuebingen
Classification: Pathogenic. Last evaluated: 2024-11-01. Review status: criteria provided, single submitter. Criteria: CeGaT Center For Human Genetics Tuebingen Variant Classification Criteria Version 2. Collection method: clinical testing. Allele origin: germline. Affected: yes. Observed: 10 variant alleles. Not counted in ClinVar's aggregate classification.
Comment: BRCA2: PVS1, PM2:Supporting, PS4:Supporting

Blueprint Genetics
Classification: Pathogenic for BRCA2-related disorders. Last evaluated: 2024-09-24. Review status: criteria provided, single submitter. Criteria: ACMG Guidelines, 2015. Collection method: clinical testing. Allele origin: germline. Affected: yes. Observed: 5 variant alleles. Not counted in ClinVar's aggregate classification.

All of Us Research Program, National Institutes of Health
Classification: Pathogenic for BRCA2-related cancer predisposition. Last evaluated: 2024-09-18. Review status: criteria provided, single submitter. Criteria: ACMG Guidelines, 2015. Collection method: clinical testing. Allele origin: germline. Inheritance: Autosomal dominant inheritance. Observed: 12 variant alleles, 12 heterozygotes. Not counted in ClinVar's aggregate classification.
Comment: This variant inserts 1 nucleotide in exon 11 of the BRCA2 gene, creating a frameshift and premature translation stop signal. This variant is expected to result in an absent or non-functional protein product. This variant is also known as 5301insA, 5302insA, c.5066_5067insA and c.5073insA in the literature. This variant has been detected in over 20 individuals and families affected with breast, ovarian and fallopian tube cancer (PMID: 11179017, 11938448, 12181777, 14973102, 15131399, 16683254, 18819001, 19052777, 19796187, 21324516, 21465317, 23977390, 24333842, 24728189, 26026974, 26787237, 27741520, 28486781, 32022259, 33471991), an individual affected with pancreatic cancer (PMID: 25479140) and 2 unaffected carriers (PMID: 33471991; Leiden Open Variation Database DB-ID BRCA2_001899). This variant also has been observed with another pathogenic BRCA2 mutation in an individual affected with the recessive disease Fanconi anemia (PMID: 14559878). This variant has been identified in 4/230778 chromosomes in the general population by the Genome Aggregation Database (gnomAD). Loss of BRCA2 function is a known mechanism of disease. Based on the available evidence, this variant is classified as Pathogenic.

This study involves interpretation of variants in research participants for the purpose of population health screening. Participant phenotype was not available at the time of variant classification. Additional details can be found in publication PMID: 35346344, PMCID: PMC8962531

Mayo Clinic Laboratories, Mayo Clinic
Classification: Pathogenic. Last evaluated: 2024-06-21. Review status: criteria provided, single submitter. Criteria: ACMG Guidelines, 2015. Collection method: clinical testing. Allele origin: germline. Not counted in ClinVar's aggregate classification.
Comment: PP5, PM2_moderate, PVS1

Department of Clinical Genetics, Copenhagen University Hospital, Rigshospitalet
Classification: Pathogenic for Breast-ovarian cancer, familial, susceptibility to, 2. Last evaluated: 2024-05-27. Review status: criteria provided, single submitter. Criteria: ACMG Guidelines, 2015. Collection method: clinical testing. Allele origin: germline. Affected: yes. Not counted in ClinVar's aggregate classification.
Comment: PVS1; PM5_PTC_Strong

Baylor Genetics
Classification: Pathogenic for Familial cancer of breast. Last evaluated: 2024-02-28. Review status: criteria provided, single submitter. Criteria: ACMG Guidelines, 2015. Collection method: clinical testing. Allele origin: unknown. Not counted in ClinVar's aggregate classification.